The following is an entry in ClinVar:

ClinVar aggregate classification (germline): Benign. Review status: criteria provided, multiple submitters, no conflicts (2 of 4 stars). 16 submissions from 15 submitters: Benign (14). 2 of the submissions do not count toward it. Last evaluated 2026-02-04.

Conditions:
Cardiovascular phenotype. Identifiers: MedGen CN230736.
Myofibrillar myopathy 6. Identifiers: Orphanet 199340, MedGen C2751831, MONDO:0013061, OMIM 612954.
Dilated cardiomyopathy 1HH (CMD1HH). Identifiers: Orphanet 154, MedGen C3151293, MONDO:0013479, OMIM 613881.

Allele frequency attached by ClinVar (database versions not stated): ExAC 0.11440; ESP Exome Variant Server 0.11610; gnomAD exomes 0.11787; gnomAD 0.12343 and 0.12375; TOPMed 0.13140; 1000 Genomes Project 0.15575; 1000 Genomes Project 30x 0.15803.
gnomAD v4.1: 162,782 of 1,613,926 alleles (10%); highest among the groups gnomAD compares: East Asian, 26%; 9,421 homozygotes.

Submissions (16):

Labcorp Genetics (formerly Invitae), Labcorp
Classification: Benign for Dilated cardiomyopathy 1HH; Myofibrillar myopathy 6. Last evaluated: 2026-02-04. Review status: criteria provided, single submitter. Criteria: Invitae Variant Classification Sherloc (09022015). Collection method: clinical testing. Allele origin: germline.

Molecular Diagnostic Laboratory for Inherited Cardiovascular Disease, Montreal Heart Institute
Classification: Benign. Last evaluated: 2025-04-09. Review status: criteria provided, single submitter. Criteria: ACMG Guidelines, 2015. Collection method: clinical testing. Allele origin: germline. Affected: no.

Blueprint Genetics
Classification: Benign. Last evaluated: 2024-11-27. Review status: criteria provided, single submitter. Criteria: ACMG Guidelines, 2015. Collection method: clinical testing. Allele origin: germline.

Mayo Clinic Laboratories, Mayo Clinic
Classification: Benign. Last evaluated: 2022-04-26. Review status: criteria provided, single submitter. Criteria: ACMG Guidelines, 2015. Collection method: clinical testing. Allele origin: germline. Observed: 589 variant alleles.

Illumina Laboratory Services, Illumina
Classification: Benign for Dilated cardiomyopathy 1HH. Last evaluated: 2018-01-13. Review status: criteria provided, single submitter. Criteria: ICSL Variant Classification Criteria 13 December 2019. Collection method: clinical testing. Allele origin: germline.
Comment: This variant was observed in the ICSL laboratory as part of a predisposition screen in an ostensibly healthy population. It had not been previously curated by ICSL or reported in the Human Gene Mutation Database (HGMD: prior to June 1st, 2018), and was therefore a candidate for classification through an automated scoring system. Utilizing variant allele frequency, disease prevalence and penetrance estimates, and inheritance mode, an automated score was calculated to assess if this variant is too frequent to cause the disease. Based on the score and internal cut-off values, a variant classified as benign is not then subjected to further curation. The score for this variant resulted in a classification of benign for this disease.

Illumina Laboratory Services, Illumina
Classification: Benign for Myofibrillar myopathy 6. Last evaluated: 2018-01-13. Review status: criteria provided, single submitter. Criteria: ICSL Variant Classification Criteria 13 December 2019. Collection method: clinical testing. Allele origin: germline.
Comment: the same text as in the submission from Illumina Laboratory Services, Illumina above.

Women's Health and Genetics/Laboratory Corporation of America, LabCorp
Classification: Benign. Last evaluated: 2017-08-03. Review status: criteria provided, single submitter. Criteria: LabCorp Variant Classification Summary - May 2015. Collection method: clinical testing. Allele origin: germline.
Comment: Variant summary: The BAG3 c.1002T>G (p.Pro334Pro) variant involves the alteration of a non-conserved nucleotide, resulting in a synonymous change. One in silico tool predicts a polymorphism outcome for this variant. 5/5 splice prediction tools predict no significant impact on normal splicing. ESE finder predicts that this variant may affect biding of multiple ESE sites. However, these predictions have yet to be confirmed by functional studies. This variant was found in 13883/121360 control chromosomes (1030 homozygotes) from ExAC at a frequency of 0.1143952, which is approximately 2928 times the estimated maximal expected allele frequency of a pathogenic BAG3 variant (0.0000391), thus it is a common benign polymorphism. In addition, multiple clinical diagnostic laboratories have classified this variant as benign. In literature, this variant has been reported in one patient with dilated cardiomyopathy who also carried a rare variant p.I206V and known polymorphisms c.910-21A>C and p.P407L (Ruppert_2013). Taken together, this variant is classified as benign.

Athena Diagnostics
Classification: Benign for Myofibrillar myopathy 6. Last evaluated: 2017-06-02. Review status: criteria provided, single submitter. Criteria: Athena Diagnostics Criteria. Collection method: clinical testing. Allele origin: germline.

Ambry Genetics
Classification: Benign for Cardiovascular phenotype. Last evaluated: 2015-03-11. Review status: criteria provided, single submitter. Criteria: Ambry Variant Classification Scheme 2023. Collection method: clinical testing. Allele origin: germline.

GeneDx
Classification: Benign. Last evaluated: 2014-01-20. Review status: criteria provided, single submitter. Criteria: GeneDx Variant Classification (06012015). Collection method: clinical testing. Allele origin: germline. Affected: yes.
Comment: This variant is considered likely benign or benign based on one or more of the following criteria: it is a conservative change, it occurs at a poorly conserved position in the protein, it is predicted to be benign by multiple in silico algorithms, and/or has population frequency not consistent with disease.

Eurofins Ntd Llc (ga)
Classification: Benign. Last evaluated: 2013-03-12. Review status: criteria provided, single submitter. Criteria: EGL Classification Definitions 2015. Collection method: clinical testing. Allele origin: germline. Observed: 1 variant allele, 1 heterozygote.

Laboratory for Molecular Medicine, Mass General Brigham Personalized Medicine
Classification: Benign. Last evaluated: 2012-03-19. Review status: criteria provided, single submitter. Criteria: LMM Criteria. Collection method: clinical testing. Allele origin: germline. Observed: 363 variant alleles.
Comment: p.Pro334Pro in Exon 04 of BAG3: This variant is not expected to have clinical si gnificance because it does not alter an amino acid residue, is not located withi n the splice consensus sequence and has been identified in 17.0% (637/3738) of A frican American chromosomes from a broad population by the NHLBI Exome Sequencin g Project (dbSNP rs3858339).

Breakthrough Genomics
Classification: Benign. Review status: criteria provided, single submitter. Criteria: ACMG Guidelines, 2015. Collection method: not provided. Allele origin: germline. Inheritance: Autosomal dominant inheritance. Affected: yes.

PreventionGenetics, part of Exact Sciences
Classification: Benign. Review status: criteria provided, single submitter. Criteria: ACMG Guidelines, 2015. Collection method: clinical testing. Allele origin: germline.

Clinical Genetics, Academic Medical Center
Classification: Benign. Review status: no assertion criteria provided. Collection method: clinical testing. Allele origin: germline. Affected: yes. Study: VKGL Data-share Consensus. Not counted in ClinVar's aggregate classification.

Joint Genome Diagnostic Labs from Nijmegen and Maastricht, Radboudumc and MUMC+
Classification: Benign. Review status: no assertion criteria provided. Collection method: clinical testing. Allele origin: germline. Affected: yes. Study: VKGL Data-share Consensus. Not counted in ClinVar's aggregate classification.

NM_004281.4(BAG3):c.1002T>G (p.Pro334=)

Gene: BAG3 (BAG cochaperone 3; plus strand). Cytogenetic location: 10q26.11.
Variant type: single nucleotide variant.
Coding change: c.1002T>G on transcript NM_004281.4 (MANE Select); coding-DNA position 1002, T replaced by G.
Protein change: p.Pro334=; no amino-acid change (proline 334 retained).
Molecular consequence: synonymous variant.
Genome position (GRCh38, 1-based): chr10:119,676,556, T>G. VCF-style: chr10-119676556-T-G. GRCh37 (hg19) VCF-style: chr10-121436068-T-G.
Other names: p.P334P:CCT>CCG; p.Pro334=.
Identifiers: ClinVar variation 44774 (VCV000044774.33), dbSNP rs3858339, ClinGen allele CA282452.